The following is an entry in ClinVar:

NM_133642.5(LARGE1):c.1663A>G (p.Ser555Gly)

Gene: LARGE1 (LARGE xylosyl- and glucuronyltransferase 1; minus strand). Cytogenetic location: 22q12.3.
Variant type: single nucleotide variant.
Coding change: c.1663A>G on transcript NM_133642.5 (MANE Select); coding-DNA position 1663, A replaced by G.
Protein change: p.Ser555Gly; replaces serine 555 with glycine.
Molecular consequence: missense variant.
Genome position (GRCh38, 1-based): chr22:33,304,296, T>C on the plus strand (A>G on the coding strand, the complement: LARGE1 is on the minus strand). VCF-style: chr22-33304296-T-C. GRCh37 (hg19) VCF-style: chr22-33700282-T-C.
Other names: p.Ser555Gly; c.1663A>G, p.Ser555Gly (NM_004737.7, NM_001362949.2, NM_001362951.2 and 6 more transcripts); c.1507A>G, p.Ser503Gly (NM_001378629.1); c.1060A>G, p.Ser354Gly (NM_001378630.1); c.904A>G, p.Ser302Gly (NM_001378631.1); c.1663A>G (NM_004737.6); short protein forms S302G, S354G, S503G, S555G.
Identifiers: ClinVar variation 1376664 (VCV001376664.8), dbSNP rs760507626, ClinGen allele CA10202688.

ClinVar aggregate classification (germline): Uncertain significance. Review status: criteria provided, multiple submitters, no conflicts (2 of 4 stars). 3 submissions from 3 submitters: Uncertain significance (3). Last evaluated 2025-03-17.

Conditions:
Muscular dystrophy-dystroglycanopathy type B6 (MDDGB6). Also called: MUSCULAR DYSTROPHY, CONGENITAL, LARGE-RELATED; MUSCULAR DYSTROPHY, CONGENITAL, TYPE 1D; MUSCULAR DYSTROPHY-DYSTROGLYCANOPATHY (CONGENITAL WITH IMPAIRED INTELLECTUAL DEVELOPMENT), TYPE B, 6. Identifiers: MedGen C1837229, MONDO:0012138, OMIM 608840.

Allele frequency attached by ClinVar (database versions not stated): gnomAD exomes below 0.00001 and 0.00001; ExAC 0.00001; gnomAD 0.00001.
gnomAD v4.1: 3 of 1,614,144 alleles (0.00019%); highest among the groups gnomAD compares: Admixed American, 0.005%; no homozygotes.

Submissions (3):

Labcorp Genetics (formerly Invitae), Labcorp
Classification: Uncertain significance for Muscular dystrophy-dystroglycanopathy type B6. Last evaluated: 2025-03-17. Review status: criteria provided, single submitter. Criteria: Invitae Variant Classification Sherloc (09022015). Collection method: clinical testing. Allele origin: germline.
Comment: This sequence change replaces serine, which is neutral and polar, with glycine, which is neutral and non-polar, at codon 555 of the LARGE1 protein (p.Ser555Gly). This variant is present in population databases (rs760507626, gnomAD 0.006%). This variant has not been reported in the literature in individuals affected with LARGE1-related conditions. ClinVar contains an entry for this variant (Variation ID: 1376664). Invitae Evidence Modeling of protein sequence and biophysical properties (such as structural, functional, and spatial information, amino acid conservation, physicochemical variation, residue mobility, and thermodynamic stability) indicates that this missense variant is not expected to disrupt LARGE1 protein function with a negative predictive value of 80%. In summary, the available evidence is currently insufficient to determine the role of this variant in disease. Therefore, it has been classified as a Variant of Uncertain Significance.

Mayo Clinic Laboratories, Mayo Clinic
Classification: Uncertain significance. Last evaluated: 2024-02-01. Review status: criteria provided, single submitter. Criteria: ACMG Guidelines, 2015. Collection method: clinical testing. Allele origin: germline. Observed: 1 variant allele.
Comment: BP4

Revvity Omics, Revvity
Classification: Uncertain significance. Last evaluated: 2019-10-30. Review status: criteria provided, single submitter. Criteria: ACMG Guidelines, 2015. Collection method: clinical testing. Allele origin: germline.